The following is an entry in ClinVar:

ClinVar aggregate classification (germline): Uncertain significance (1 of 4 stars; one submission).

Conditions:
Intellectual developmental disorder, autosomal dominant 1. Also called: MBD5 Haploinsufficiency; Intellectual disability, autosomal dominant 1. Identifiers: Orphanet 228402, MedGen C1969562, MONDO:0007974, OMIM 156200.

Allele frequency attached by ClinVar (database versions not stated): gnomAD exomes below 0.00001; ExAC 0.00001.
gnomAD v4.1: 1 of 1,614,014 alleles (0.000062%); highest among the groups gnomAD compares: Non-Finnish European, 0.000085%; no homozygotes.

Submission:

Labcorp Genetics (formerly Invitae), Labcorp
Classification: Uncertain significance for Intellectual developmental disorder, autosomal dominant 1. Last evaluated: 2025-02-06. Review status: criteria provided, single submitter. Criteria: Invitae Variant Classification Sherloc (09022015). Collection method: clinical testing. Allele origin: germline.
Comment: This sequence change replaces glutamine, which is neutral and polar, with glutamic acid, which is acidic and polar, at codon 943 of the MBD5 protein (p.Gln943Glu). This variant is present in population databases (rs757838806, gnomAD 0.0009%). This variant has not been reported in the literature in individuals affected with MBD5-related conditions. ClinVar contains an entry for this variant (Variation ID: 2835074). Invitae Evidence Modeling of protein sequence and biophysical properties (such as structural, functional, and spatial information, amino acid conservation, physicochemical variation, residue mobility, and thermodynamic stability) indicates that this missense variant is not expected to disrupt MBD5 protein function with a negative predictive value of 80%. In summary, the available evidence is currently insufficient to determine the role of this variant in disease. Therefore, it has been classified as a Variant of Uncertain Significance.

NM_001378120.1(MBD5):c.2827C>G (p.Gln943Glu)

Gene: MBD5 (methyl-CpG binding domain protein 5; plus strand). Cytogenetic location: 2q23.1.
Variant type: single nucleotide variant.
Coding change: c.2827C>G on transcript NM_001378120.1 (MANE Select); coding-DNA position 2827, C replaced by G.
Protein change: p.Gln943Glu; replaces glutamine 943 with glutamic acid.
Molecular consequence: missense variant.
Genome position (GRCh38, 1-based): chr2:148,483,418, C>G. VCF-style: chr2-148483418-C-G. GRCh37 (hg19) VCF-style: chr2-149240987-C-G.
Other names: c.2827C>G, p.Gln943Glu (NM_018328.5); short protein forms Q943E.
Identifiers: ClinVar variation 2835074 (VCV002835074.3), dbSNP rs757838806, ClinGen allele CA1900221.